The following is an entry in ClinVar:

ClinVar aggregate classification (germline): Pathogenic. Review status: criteria provided, multiple submitters, no conflicts (2 of 4 stars). 2 submissions from 2 submitters: Pathogenic (2). Last evaluated 2023-11-22.

Conditions:
Episodic ataxia type 2 (EA2). Also called: ATAXIA, EPISODIC, WITH NYSTAGMUS; ATAXIA, FAMILIAL PAROXYSMAL; CEREBELLAR ATAXIA, PAROXYSMAL, ACETAZOLAMIDE-RESPONSIVE; CEREBELLOPATHY, HEREDITARY PAROXYSMAL; EPISODIC ATAXIA, NYSTAGMUS-ASSOCIATED; ACETAZOLAMIDE-RESPONSIVE HEREDITARY PAROXYSMAL CEREBELLAR ATAXIA. Identifiers: Orphanet 97, MedGen C1720416, MONDO:0007163, OMIM 108500.
Developmental and epileptic encephalopathy, 42 (DEE42A). Also called: DEVELOPMENTAL AND EPILEPTIC ENCEPHALOPATHY 42A; EPILEPTIC ENCEPHALOPATHY, EARLY INFANTILE, 42A; Epileptic encephalopathy, early infantile, 42. Identifiers: MedGen C4310716, MONDO:0014917, OMIM 617106.

Submissions (2):

Athena Diagnostics
Classification: Pathogenic. Last evaluated: 2023-11-22. Review status: criteria provided, single submitter. Criteria: Athena Diagnostics Criteria. Collection method: clinical testing. Allele origin: unknown.
Comment: This variant is expected to result in the loss of a functional protein. This variant has been identified in at least one individual tested at Athena Diagnostics with clinical features associated with this gene. This variant has not been reported in large, multi-ethnic general populations.

Labcorp Genetics (formerly Invitae), Labcorp
Classification: Pathogenic for Developmental and epileptic encephalopathy, 42; Episodic ataxia type 2. Last evaluated: 2022-08-31. Review status: criteria provided, single submitter. Criteria: Invitae Variant Classification Sherloc (09022015). Collection method: clinical testing. Allele origin: germline.
Comment: This sequence change creates a premature translational stop signal (p.His1827Glnfs*5) in the CACNA1A gene. It is expected to result in an absent or disrupted protein product. Loss-of-function variants in CACNA1A are known to be pathogenic (PMID: 10371528, 19486177, 25735478, 27250579). This variant is not present in population databases (gnomAD no frequency). This variant has not been reported in the literature in individuals affected with CACNA1A-related conditions. ClinVar contains an entry for this variant (Variation ID: 1377252). For these reasons, this variant has been classified as Pathogenic.

Literature cited by the submitters: PubMed 10371528 (cited by Labcorp Genetics (formerly Invitae), Labcorp); PubMed 19486177 (cited by Labcorp Genetics (formerly Invitae), Labcorp); PubMed 25735478 (cited by Labcorp Genetics (formerly Invitae), Labcorp); PubMed 27250579 (cited by Labcorp Genetics (formerly Invitae), Labcorp).

NM_001127222.2(CACNA1A):c.5477dup (p.His1826fs)

Gene: CACNA1A (calcium voltage-gated channel subunit alpha1 A; minus strand). Cytogenetic location: 19p13.13.
Variant type: Duplication.
Coding change: c.5477dup on transcript NM_001127222.2 (MANE Select); coding-DNA position 5477, one base duplicated (A; older notation c.5477dupA).
Protein change: p.His1826fs; shifts the reading frame from histidine 1826.
Molecular consequence: frameshift variant.
Genome position (GRCh38, 1-based): chr19:13,230,133, T duplicated on the plus strand (A on the coding strand, the reverse complement: CACNA1A is on the minus strand). VCF-style (leftmost placement, unchanged base first): chr19-13230132-G-GT. GRCh37 (hg19) VCF-style: chr19-13340946-G-GT.
Other names: c.5480dup (NM_000068.2); c.5495dup, p.His1832fs (NM_000068.4, NM_023035.3); c.5480dup, p.His1827fs (NM_001127221.2); c.5486dup, p.His1829fs (NM_001174080.2); short protein forms H1827fs, H1829fs, H1832fs, H1826fs.
Identifiers: ClinVar variation 1377252 (VCV001377252.7), dbSNP rs2144622191, ClinGen allele CA2573156110.